The following is an entry in ClinVar:

ClinVar aggregate classification (germline): Uncertain significance. Review status: criteria provided, multiple submitters, no conflicts (2 of 4 stars). 5 submissions from 5 submitters: Uncertain significance (5). Last evaluated 2025-07-16.

Conditions:
Hereditary nonpolyposis colorectal neoplasms. Identifiers: MedGen C0009405, MeSH D003123.
Hereditary cancer-predisposing syndrome. Also called: Hereditary neoplastic syndrome; Tumor predisposition; Neoplastic Syndromes, Hereditary; Hereditary Cancer Syndrome. Identifiers: Orphanet 140162, MedGen C0027672, MeSH D009386, MONDO:0015356.
Lynch syndrome. Identifiers: Orphanet 144, MedGen C4552100, MONDO:0005835. Disease mechanism: loss of function.

Allele frequency attached by ClinVar (database versions not stated): gnomAD exomes below 0.00001.
gnomAD v4.1: 1 of 1,614,138 alleles (0.000062%); highest among the groups gnomAD compares: Non-Finnish European, 0.000085%; no homozygotes.

Submissions (5):

Ambry Genetics
Classification: Uncertain significance for Hereditary cancer-predisposing syndrome. Last evaluated: 2025-07-16. Review status: criteria provided, single submitter. Criteria: Ambry Variant Classification Scheme 2023. Collection method: clinical testing. Allele origin: germline.
Comment: The p.K813R variant (also known as c.2438A>G), located in coding exon 4 of the MSH6 gene, results from an A to G substitution at nucleotide position 2438. The lysine at codon 813 is replaced by arginine, an amino acid with highly similar properties. This amino acid position is conserved. In addition, the in silico prediction for this alteration is inconclusive. Based on the available evidence, the clinical significance of this variant remains unclear.

Quest Diagnostics Nichols Institute San Juan Capistrano
Classification: Uncertain significance. Last evaluated: 2024-10-29. Review status: criteria provided, single submitter. Criteria: Quest Diagnostics criteria. Collection method: clinical testing. Allele origin: unknown.
Comment: The MSH6 c.2438A>G (p.Lys813Arg) variant has been reported in the published literature in one breast cancer case and no reportedly healthy individuals in a large scale breast cancer association study (PMID: 33471991 (2021), see also LOVD). This variant has not been reported in large, multi-ethnic general populations (Genome Aggregation Database). Analysis of this variant using bioinformatics tools for the prediction of the effect of amino acid changes on protein structure and function yielded predictions that this variant is benign. Based on the available information, we are unable to determine the clinical significance of this variant.

All of Us Research Program, National Institutes of Health
Classification: Uncertain significance for Lynch syndrome. Last evaluated: 2024-03-05. Review status: criteria provided, single submitter. Criteria: ACMG Guidelines, 2015. Collection method: clinical testing. Allele origin: germline. Inheritance: Autosomal dominant inheritance. Observed: 1 variant allele, 1 heterozygote.
Comment: This study involves interpretation of variants in research participants for the purpose of population health screening. Participant phenotype was not available at the time of variant classification. Additional details can be found in publication PMID: 35346344, PMCID: PMC8962531

Women's Health and Genetics/Laboratory Corporation of America, LabCorp
Classification: Uncertain significance. Last evaluated: 2024-02-24. Review status: criteria provided, single submitter. Criteria: LabCorp Variant Classification Summary - May 2015. Collection method: clinical testing. Allele origin: germline.

Labcorp Genetics (formerly Invitae), Labcorp
Classification: Uncertain significance for Hereditary nonpolyposis colorectal neoplasms. Last evaluated: 2023-01-10. Review status: criteria provided, single submitter. Criteria: Invitae Variant Classification Sherloc (09022015). Collection method: clinical testing. Allele origin: germline.
Comment: This sequence change replaces lysine, which is basic and polar, with arginine, which is basic and polar, at codon 813 of the MSH6 protein (p.Lys813Arg). This variant is not present in population databases (gnomAD no frequency). In summary, the available evidence is currently insufficient to determine the role of this variant in disease. Therefore, it has been classified as a Variant of Uncertain Significance. Advanced modeling of protein sequence and biophysical properties (such as structural, functional, and spatial information, amino acid conservation, physicochemical variation, residue mobility, and thermodynamic stability) performed at Invitae indicates that this missense variant is not expected to disrupt MSH6 protein function. ClinVar contains an entry for this variant (Variation ID: 953436). This variant has not been reported in the literature in individuals affected with MSH6-related conditions.

Literature cited by the submitters: PubMed 33471991 (cited by Quest Diagnostics Nichols Institute San Juan Capistrano).

NM_000179.3(MSH6):c.2438A>G (p.Lys813Arg)

Gene: MSH6 (mutS homolog 6; plus strand). Cytogenetic location: 2p16.3.
Variant type: single nucleotide variant.
Coding change: c.2438A>G on transcript NM_000179.3 (MANE Select); coding-DNA position 2438, A replaced by G.
Protein change: p.Lys813Arg; replaces lysine 813 with arginine.
Molecular consequence: missense variant.
Genome position (GRCh38, 1-based): chr2:47,800,421, A>G. VCF-style: chr2-47800421-A-G. GRCh37 (hg19) VCF-style: chr2-48027560-A-G.
Other names: c.2048A>G, p.Lys683Arg (NM_001281492.2); c.1532A>G, p.Lys511Arg (NM_001281493.2, NM_001281494.2); short protein forms K683R, K813R, K511R.
Identifiers: ClinVar variation 953436 (VCV000953436.13), dbSNP rs1669464717, ClinGen allele CA346754044.